The following is an entry in ClinVar:

ClinVar aggregate classification (germline): Pathogenic. Review status: criteria provided, multiple submitters, no conflicts (2 of 4 stars). 2 submissions from 2 submitters: Pathogenic (2). Last evaluated 2024-04-15.

Conditions:
Hereditary cancer-predisposing syndrome. Also called: Hereditary neoplastic syndrome; Tumor predisposition; Neoplastic Syndromes, Hereditary; Hereditary Cancer Syndrome. Identifiers: Orphanet 140162, MedGen C0027672, MeSH D009386, MONDO:0015356.
Birt-Hogg-Dube syndrome. Also called: Birt Hogg Dubé syndrome. Identifiers: Orphanet 122, MedGen C0346010, MONDO:0800444.

Submissions (2):

Labcorp Genetics (formerly Invitae), Labcorp
Classification: Pathogenic for Birt-Hogg-Dube syndrome. Last evaluated: 2024-04-15. Review status: criteria provided, single submitter. Criteria: Invitae Variant Classification Sherloc (09022015). Collection method: clinical testing. Allele origin: germline.
Comment: This sequence change creates a premature translational stop signal (p.Val368Glyfs*9) in the FLCN gene. It is expected to result in an absent or disrupted protein product. Loss-of-function variants in FLCN are known to be pathogenic (PMID: 15852235). This variant is not present in population databases (gnomAD no frequency). This variant has not been reported in the literature in individuals affected with FLCN-related conditions. ClinVar contains an entry for this variant (Variation ID: 428645). For these reasons, this variant has been classified as Pathogenic.

Ambry Genetics
Classification: Pathogenic for Hereditary cancer-predisposing syndrome. Last evaluated: 2018-06-15. Review status: criteria provided, single submitter. Criteria: Ambry Variant Classification Scheme 2023. Collection method: clinical testing. Allele origin: germline.
Comment: The c.1098_1102dupGCACG pathogenic mutation, located in coding exon 7 of the FLCN gene, results from a duplication of GCACG at nucleotide position 1098, causing a translational frameshift with a predicted alternate stop codon (p.V368Gfs*9). This alteration is expected to result in loss of function by premature protein truncation or nonsense-mediated mRNA decay. As such, this alteration is interpreted as a disease-causing mutation.

Literature cited by the submitters: PubMed 15852235 (cited by Labcorp Genetics (formerly Invitae), Labcorp).

NM_144997.7(FLCN):c.1098_1102dup (p.Val368fs)

Gene: FLCN (folliculin; minus strand). Cytogenetic location: 17p11.2.
Variant type: Duplication.
Coding change: c.1098_1102dup on transcript NM_144997.7 (MANE Select); coding-DNA positions 1098 to 1102, 5 bases duplicated (GCACG; older notation c.1098_1102dupGCACG).
Protein change: p.Val368fs; shifts the reading frame from valine 368.
Molecular consequence: frameshift variant.
Genome position (GRCh38, 1-based): chr17:17,217,143-17,217,147, CGTGC duplicated on the plus strand (GCACG on the coding strand, the reverse complement: FLCN is on the minus strand); duplicating any 5 consecutive bases within chr17:17,217,143-17,217,148 gives the same sequence; the c. name uses the placement nearest the transcript's 3' end. VCF-style (leftmost placement, unchanged base first): chr17-17217142-A-ACGTGC. GRCh37 (hg19) VCF-style: chr17-17120456-A-ACGTGC.
Other names: c.1098_1102dup (LRG_325t1); c.1152_1156dup, p.Val386fs (NM_001353229.2); c.1098_1102dup, p.Val368fs (NM_001353230.2, NM_001353231.2); c.1098_1102dupGCACG (NM_144997.5); short protein forms V368fs, V386fs.
Identifiers: ClinVar variation 428645 (VCV000428645.7), dbSNP rs1131690831, ClinGen allele CA645369643.